The following is an entry in ClinVar:

ClinVar aggregate classification (germline): Uncertain significance (1 of 4 stars; one submission).

Conditions:
Inborn genetic diseases. Identifiers: MedGen C0950123, MeSH D030342.

gnomAD v4.1: 3 of 1,613,672 alleles (0.00019%); highest among the groups gnomAD compares: African/African-American, 0.0013%; no homozygotes.

Submission:

Ambry Genetics
Classification: Uncertain significance for Inborn genetic diseases. Last evaluated: 2026-03-21. Review status: criteria provided, single submitter. Criteria: Ambry Variant Classification Scheme 2023. Collection method: clinical testing. Allele origin: germline.
Comment: The p.R504P variant (also known as c.1511G>C), located in coding exon 16 of the FANCA gene, results from a G to C substitution at nucleotide position 1511. The arginine at codon 504 is replaced by proline, an amino acid with dissimilar properties. This amino acid position is conserved. In addition, this alteration is predicted to be deleterious by in silico analysis. Based on the available evidence, the clinical significance of this variant remains unclear.

NM_000135.4(FANCA):c.1511G>C (p.Arg504Pro)

Gene: FANCA (FA complementation group A; minus strand). Cytogenetic location: 16q24.3.
Variant type: single nucleotide variant.
Coding change: c.1511G>C on transcript NM_000135.4 (MANE Select); coding-DNA position 1511, G replaced by C.
Protein change: p.Arg504Pro; replaces arginine 504 with proline.
Molecular consequence: missense variant.
Genome position (GRCh38, 1-based): chr16:89,783,062, C>G on the plus strand (G>C on the coding strand, the complement: FANCA is on the minus strand). VCF-style: chr16-89783062-C-G. GRCh37 (hg19) VCF-style: chr16-89849470-C-G.
Other names: c.1511G>C, p.Arg504Pro (NM_001286167.3); short protein forms R504P.
Identifiers: ClinVar variation 4870798 (VCV004870798.1).